The following is an entry in ClinVar:

NM_001378609.3(OTOGL):c.93A>G (p.Ala31=)

Gene: OTOGL (otogelin like; plus strand). Cytogenetic location: 12q21.31.
Variant type: single nucleotide variant.
Coding change: c.93A>G on transcript NM_001378609.3 (MANE Select); coding-DNA position 93, A replaced by G.
Protein change: p.Ala31=; no amino-acid change (alanine 31 retained).
Molecular consequence: synonymous variant.
Genome position (GRCh38, 1-based): chr12:80,210,860, A>G. VCF-style: chr12-80210860-A-G. GRCh37 (hg19) VCF-style: chr12-80604640-A-G.
Other names: c.93A>G, p.Ala31= (NM_001368062.3, NM_001378610.3, NM_173591.7).
Identifiers: ClinVar variation 504789 (VCV000504789.17), dbSNP rs147902353, ClinGen allele CA6700046.

ClinVar aggregate classification (germline): Benign/Likely benign. Review status: criteria provided, multiple submitters, no conflicts (2 of 4 stars). 4 submissions from 4 submitters: Benign (2); Likely benign (2). Last evaluated 2026-05-01.

Allele frequency attached by ClinVar (database versions not stated): ExAC 0.00008; gnomAD exomes 0.00013; gnomAD 0.00127; 1000 Genomes Project 0.00140; 1000 Genomes Project 30x 0.00141; TOPMed 0.00145.
gnomAD v4.1: 373 of 1,477,288 alleles (0.025%); highest among the groups gnomAD compares: African/African-American, 0.49%; no homozygotes.

Submissions (4):

CeGaT Center for Human Genetics Tuebingen
Classification: Likely benign. Last evaluated: 2026-05-01. Review status: criteria provided, single submitter. Criteria: CeGaT Center For Human Genetics Tuebingen Variant Classification Criteria Version 2. Collection method: clinical testing. Allele origin: germline. Affected: yes. Observed: 1 variant allele.
Comment: OTOGL: BP4, BP7

Labcorp Genetics (formerly Invitae), Labcorp
Classification: Benign. Last evaluated: 2025-10-15. Review status: criteria provided, single submitter. Criteria: Invitae Variant Classification Sherloc (09022015). Collection method: clinical testing. Allele origin: germline.

GeneDx
Classification: Likely benign. Last evaluated: 2021-08-10. Review status: criteria provided, single submitter. Criteria: GeneDx Variant Classification Process June 2021. Collection method: clinical testing. Allele origin: germline. Affected: yes.

Laboratory for Molecular Medicine, Mass General Brigham Personalized Medicine
Classification: Benign. Last evaluated: 2017-07-20. Review status: criteria provided, single submitter. Criteria: LMM Criteria. Collection method: clinical testing. Allele origin: germline. Observed: 2 variant alleles.
Comment: p.Ala22Ala in exon 2 of OTOGL: This variant is not expected to have clinical sig nificance because it does not alter an amino acid residue and is not located wit hin the splice consensus sequence. It has been identified in 0.4% (49/12956) of African chromosomes by the Genome Aggregation Database (gnomAD; dbSNP rs147902353).